The following is an entry in ClinVar:

ClinVar aggregate classification (germline): Pathogenic (1 of 4 stars; one submission).

Submission:

CeGaT Center for Human Genetics Tuebingen
Classification: Pathogenic. Last evaluated: 2026-03-01. Review status: criteria provided, single submitter. Criteria: CeGaT Center For Human Genetics Tuebingen Variant Classification Criteria Version 2. Collection method: clinical testing. Allele origin: germline. Affected: yes. Observed: 1 variant allele.
Comment: FAH: PVS1, PM2, PM3:Supporting

NM_000137.4(FAH):c.837+1G>T

Gene: FAH (fumarylacetoacetate hydrolase; plus strand). Cytogenetic location: 15q25.1.
Variant type: single nucleotide variant.
Coding change: c.837+1G>T on transcript NM_000137.4 (MANE Select); the canonical splice donor site of the intron after coding-DNA position 837, G replaced by T.
Molecular consequence: splice donor variant.
Genome position (GRCh38, 1-based): chr15:80,173,145, G>T. VCF-style: chr15-80173145-G-T. GRCh37 (hg19) VCF-style: chr15-80465487-G-T.
Other names: c.837+1G>T (NM_001374377.1, NM_001374380.1).
Identifiers: ClinVar variation 4823774 (VCV004823774.4).